The following is an entry in ClinVar:

ClinVar aggregate classification (germline): Uncertain significance (1 of 4 stars; one submission).

Submission:

GeneDx
Classification: Uncertain significance. Last evaluated: 2025-06-23. Review status: criteria provided, single submitter. Criteria: GeneDx Variant Classification Process June 2021. Collection method: clinical testing. Allele origin: germline. Affected: yes.
Comment: Not observed at significant frequency in large population cohorts (gnomAD); Has not been previously published as pathogenic or benign to our knowledge; Variants in candidate genes are classified as variants of uncertain significance in accordance with ACMG guidelines (PMID: 25741868); Frameshift variant predicted to result in abnormal protein length as the last 883 amino acids are replaced with 10 different amino acids with an unclear effect on protein function

NM_032160.3(DSEL):c.972_987dup (p.Ala330fs)

Gene: DSEL (dermatan sulfate epimerase like; minus strand). Cytogenetic location: 18q22.1.
Variant type: Duplication.
Coding change: c.972_987dup on transcript NM_032160.3 (MANE Select); coding-DNA positions 972 to 987, 16 bases duplicated (AAGAACTGTGGGTATA).
Protein change: p.Ala330fs; shifts the reading frame from alanine 330.
Molecular consequence: frameshift variant.
Genome position (GRCh38, 1-based): chr18:67,513,622-67,513,637, TATACCCACAGTTCTT duplicated on the plus strand (AAGAACTGTGGGTATA on the coding strand, the reverse complement: DSEL is on the minus strand); duplicating any 16 consecutive bases within chr18:67,513,622-67,513,638 gives the same sequence; the c. name uses the placement nearest the transcript's 3' end. VCF-style (leftmost placement, unchanged base first): chr18-67513621-C-CTATACCCACAGTTCTT. GRCh37 (hg19) VCF-style: chr18-65180858-C-CTATACCCACAGTTCTT.
Other names: c.1002_1017dupAAGAACTGTGGGTATA (NM_032160.2); c.1002_1017dup (NM_032160.2); short protein forms A330fs.
Identifiers: ClinVar variation 449545 (VCV000449545.3), dbSNP rs1555694473, ClinGen allele CA658658761.